The following is an entry in ClinVar:

ClinVar aggregate classification (germline): Benign/Likely benign. Review status: criteria provided, multiple submitters, no conflicts (2 of 4 stars). 7 submissions from 6 submitters: Benign (4); Likely benign (3). Last evaluated 2026-01-27.

Conditions:
Fibromuscular dysplasia, multifocal. Identifiers: MedGen C5543412, MONDO:0859151, OMIM 619329.
Ehlers-Danlos syndrome, classic type, 1 (EDSCL1). Also called: Ehlers-Danlos syndrome, type 1; EHLERS-DANLOS SYNDROME, GRAVIS TYPE; EHLERS-DANLOS SYNDROME, SEVERE CLASSIC TYPE; Ehlers-Danlos Syndrome, Classic Type, COL5A1-Related; EDS I. Identifiers: MedGen C0268335, MONDO:0019567, OMIM 130000.

Allele frequency attached by ClinVar (database versions not stated): gnomAD exomes 0.00013; gnomAD 0.00014 and 0.00015; TOPMed 0.00015; ExAC 0.00017.
gnomAD v4.1: 235 of 1,580,232 alleles (0.015%); highest among the groups gnomAD compares: Non-Finnish European, 0.02%; no homozygotes.

Submissions (7):

Labcorp Genetics (formerly Invitae), Labcorp
Classification: Likely benign for Ehlers-Danlos syndrome, classic type, 1. Last evaluated: 2026-01-27. Review status: criteria provided, single submitter. Criteria: Invitae Variant Classification Sherloc (09022015). Collection method: clinical testing. Allele origin: germline.

Blueprint Genetics
Classification: Likely benign. Last evaluated: 2024-11-05. Review status: criteria provided, single submitter. Criteria: ACMG Guidelines, 2015. Collection method: clinical testing. Allele origin: germline.

Women's Health and Genetics/Laboratory Corporation of America, LabCorp
Classification: Benign. Last evaluated: 2024-01-22. Review status: criteria provided, single submitter. Criteria: LabCorp Variant Classification Summary - May 2015. Collection method: clinical testing. Allele origin: germline.
Comment: Variant summary: COL5A1 c.3114+12G>C alters a non-conserved nucleotide located at a position not widely known to affect splicing. Consensus agreement among computation tools predict no significant impact on normal splicing. However, these predictions have yet to be confirmed by functional studies. The variant allele was found at a frequency of 0.00013 in 197082 control chromosomes, predominantly at a frequency of 0.00028 within the Non-Finnish European subpopulation in the gnomAD database. The observed variant frequency within Non-Finnish European control individuals in the gnomAD database is approximately 9 fold of the estimated maximal expected allele frequency for a pathogenic variant in COL5A1 causing Ehlers-Danlos Syndrome phenotype (3.1e-05), strongly suggesting that the variant is a benign polymorphism found primarily in populations of Non-Finnish European origin. To our knowledge, no occurrence of c.3114+12G>C in individuals affected with Ehlers-Danlos Syndrome and no experimental evidence demonstrating its impact on protein function have been reported. ClinVar contains an entry for this variant (Variation ID: 136878). Based on the evidence outlined above, the variant was classified as benign.

Genome-Nilou Lab
Classification: Benign for Ehlers-Danlos syndrome, classic type, 1. Last evaluated: 2022-03-15. Review status: criteria provided, single submitter. Criteria: ACMG Guidelines, 2015. Collection method: clinical testing. Allele origin: germline. Affected: no.

Genome-Nilou Lab
Classification: Benign for Fibromuscular dysplasia, multifocal. Last evaluated: 2022-03-15. Review status: criteria provided, single submitter. Criteria: ACMG Guidelines, 2015. Collection method: clinical testing. Allele origin: germline. Affected: no.

GeneDx
Classification: Benign. Last evaluated: 2014-03-01. Review status: criteria provided, single submitter. Criteria: GeneDx Variant Classification (06012015). Collection method: clinical testing. Allele origin: germline. Affected: yes.
Comment: This variant is considered likely benign or benign based on one or more of the following criteria: it is a conservative change, it occurs at a poorly conserved position in the protein, it is predicted to be benign by multiple in silico algorithms, and/or has population frequency not consistent with disease.

PreventionGenetics, part of Exact Sciences
Classification: Likely benign. Review status: criteria provided, single submitter. Criteria: ACMG Guidelines, 2015. Collection method: clinical testing. Allele origin: germline.

NM_000093.5(COL5A1):c.3114+12G>C

Gene: COL5A1 (collagen type V alpha 1 chain; plus strand). Cytogenetic location: 9q34.3.
Variant type: single nucleotide variant.
Coding change: c.3114+12G>C on transcript NM_000093.5 (MANE Select); 12 bases into the intron after coding-DNA position 3114, G replaced by C.
Molecular consequence: intron variant.
Genome position (GRCh38, 1-based): chr9:134,803,007, G>C. VCF-style: chr9-134803007-G-C. GRCh37 (hg19) VCF-style: chr9-137694853-G-C.
Other names: c.3114+12G>C (NM_001278074.1).
Identifiers: ClinVar variation 136878 (VCV000136878.13), dbSNP rs528913410, ClinGen allele CA290254.